The following is an entry in ClinVar:

NM_001142800.2(EYS):c.2811C>A (p.Cys937Ter)

Gene: EYS (EGF-like photoreceptor maintenance factor; minus strand). Cytogenetic location: 6q12.
Variant type: single nucleotide variant.
Coding change: c.2811C>A on transcript NM_001142800.2 (MANE Select); coding-DNA position 2811, C replaced by A.
Protein change: p.Cys937Ter; replaces cysteine 937 with a stop codon.
Molecular consequence: nonsense.
Genome position (GRCh38, 1-based): chr6:64,902,148, G>T on the plus strand (C>A on the coding strand, the complement: EYS is on the minus strand). VCF-style: chr6-64902148-G-T. GRCh37 (hg19) VCF-style: chr6-65612041-G-T.
Other names: c.2811C>A, p.Cys937Ter (NM_001292009.2); short protein forms C937*.
Identifiers: ClinVar variation 620108 (VCV000620108.13), dbSNP rs1466666397, ClinGen allele CA364785631.

ClinVar aggregate classification (germline): Pathogenic/Likely pathogenic. Review status: criteria provided, multiple submitters, no conflicts (2 of 4 stars). 6 submissions from 6 submitters: Pathogenic (5); Likely pathogenic (1). Last evaluated 2025-06-06.

Conditions:
EYS-related disorder. Also called: EYS-related condition.
Retinitis pigmentosa 25 (RP25). Identifiers: Orphanet 791, MedGen C1864446, MONDO:0011272, OMIM 602772.

Allele frequency attached by ClinVar (database versions not stated): gnomAD exomes 0.00001; TOPMed 0.00001; gnomAD 0.00001.
gnomAD v4.1: 3 of 1,548,274 alleles (0.00019%); highest among the groups gnomAD compares: Admixed American, 0.004%; no homozygotes.

Submissions (6):

Labcorp Genetics (formerly Invitae), Labcorp
Classification: Pathogenic. Last evaluated: 2025-06-06. Review status: criteria provided, single submitter. Criteria: Invitae Variant Classification Sherloc (09022015). Collection method: clinical testing. Allele origin: germline.
Comment: This sequence change creates a premature translational stop signal (p.Cys937*) in the EYS gene. It is expected to result in an absent or disrupted protein product. Loss-of-function variants in EYS are known to be pathogenic (PMID: 18836446, 20333770). This variant is present in population databases (no rsID available, gnomAD 0.004%). This premature translational stop signal has been observed in individual(s) with retinitis pigmentosa (PMID: 20537394). ClinVar contains an entry for this variant (Variation ID: 620108). For these reasons, this variant has been classified as Pathogenic.

Natera, Inc.
Classification: Pathogenic for Retinitis pigmentosa type 25. Last evaluated: 2025-01-03. Review status: criteria provided, single submitter. Criteria: Natera Variant Classification Schema (03/2026). Collection method: clinical testing. Allele origin: germline.
Comment: The c.2811C>A variant in EYS is a nonsense variant predicted to introduce a stop codon at amino acid 937. This variant is expected to result in nonsense mediated decay, truncation, or a dysfunctional protein product. This variant is rare in the general population with a frequency below the threshold expected for the associated phenotype(s). This variant has been observed in one or more individuals affected with the associated recessive disease, as either homozygous or compound heterozygous with a second variant (PMID: 20537394). Given the available evidence, this variant is classified as Pathogenic.

Myriad Genetics, Inc.
Classification: Pathogenic for Retinitis pigmentosa 25. Last evaluated: 2024-05-14. Review status: criteria provided, single submitter. Criteria: Myriad Autosomal Dominant, Autosomal Recessive and X-Linked Classification Criteria (2023). Collection method: clinical testing. Allele origin: unknown.
Comment: NM_001142800.1(EYS):c.2811C>A(C937*) is expected to be pathogenic in the context of retinitis pigmentosa, EYS-related. This variant is predicted to lead to an abnormal or absent protein product due to the creation of a premature termination codon in EYS, a gene where loss-of-function variants are known to be pathogenic. Please note: this variant was assessed in the context of healthy population screening.

Baylor Genetics
Classification: Pathogenic for Retinitis pigmentosa 25. Last evaluated: 2022-09-12. Review status: criteria provided, single submitter. Criteria: ACMG Guidelines, 2015. Collection method: clinical testing. Allele origin: unknown.

Blueprint Genetics
Classification: Likely pathogenic for EYS-related disorders. Last evaluated: 2019-03-10. Review status: criteria provided, single submitter. Criteria: ACMG Guidelines, 2015. Collection method: clinical testing. Allele origin: germline. Affected: yes. Observed: 1 variant allele.

GeneDx
Classification: Pathogenic. Last evaluated: 2018-08-06. Review status: criteria provided, single submitter. Criteria: GeneDx Variant Classification (06012015). Collection method: clinical testing. Allele origin: germline. Affected: yes.
Comment: The C937X variant in the EYS gene has been reported previously in an individual with autosomal recessive retinitis pigmentosa (Littink et al., 2010). This variant is predicted to cause loss of normal protein function either through protein truncation or nonsense-mediated mRNA decay. The C937X variant is observed in 1/23,594 (0.0042%) alleles from individuals of Latino background in large population cohorts (Lek et al., 2016). We interpret C937X as a pathogenic variant.

Literature cited by the submitters: PubMed 18836446 (cited by Labcorp Genetics (formerly Invitae), Labcorp); PubMed 20333770 (cited by Labcorp Genetics (formerly Invitae), Labcorp); PubMed 20537394 (cited by Labcorp Genetics (formerly Invitae), Labcorp and Natera, Inc.).